The following is an entry in ClinVar:

NM_000089.4(COL1A2):c.2923C>T (p.His975Tyr)

Gene: COL1A2 (collagen type I alpha 2 chain; plus strand). Cytogenetic location: 7q21.3.
Variant type: single nucleotide variant.
Coding change: c.2923C>T on transcript NM_000089.4 (MANE Select); coding-DNA position 2923, C replaced by T.
Protein change: p.His975Tyr; replaces histidine 975 with tyrosine.
Molecular consequence: missense variant.
Genome position (GRCh38, 1-based): chr7:94,425,837, C>T. VCF-style: chr7-94425837-C-T. GRCh37 (hg19) VCF-style: chr7-94055149-C-T.
Other names: short protein forms H975Y.
Identifiers: ClinVar variation 2501349 (VCV002501349.1), dbSNP rs2484734937, ClinGen allele CA368224893.

ClinVar aggregate classification (germline): Uncertain significance (1 of 4 stars; one submission).

Submission:

GeneDx
Classification: Uncertain significance. Last evaluated: 2022-11-03. Review status: criteria provided, single submitter. Criteria: GeneDx Variant Classification Process June 2021. Collection method: clinical testing. Allele origin: germline. Affected: yes.
Comment: Not observed at significant frequency in large population cohorts (gnomAD); In silico analysis supports that this missense variant does not alter protein structure/function; Has not been previously published as pathogenic or benign to our knowledge; Occurs in the triple helical domain at the X position in the canonical Gly-X-Y repeat; although this variant may have an effect on normal protein folding and function, missense substitution at the X position is not a common mechanism of disease (HGMD)